The following is an entry in ClinVar:

NM_001145809.2(MYH14):c.5930G>A (p.Arg1977His)

Gene: MYH14 (myosin heavy chain 14; plus strand). Cytogenetic location: 19q13.33.
Variant type: single nucleotide variant.
Coding change: c.5930G>A on transcript NM_001145809.2 (MANE Select); coding-DNA position 5930, G replaced by A.
Protein change: p.Arg1977His; replaces arginine 1977 with histidine.
Molecular consequence: missense variant.
Genome position (GRCh38, 1-based): chr19:50,309,147, G>A. VCF-style: chr19-50309147-G-A. GRCh37 (hg19) VCF-style: chr19-50812404-G-A.
Other names: c.5831G>A, p.Arg1944His (NM_001077186.2); c.5807G>A, p.Arg1936His (NM_024729.4); short protein forms R1936H, R1944H, R1977H.
Identifiers: ClinVar variation 1442570 (VCV001442570.6), dbSNP rs771678694, ClinGen allele CA9593932.

ClinVar aggregate classification (germline): Uncertain significance (1 of 4 stars; one submission).

Allele frequency attached by ClinVar (database versions not stated): gnomAD exomes 0.00001; ExAC 0.00002.
gnomAD v4.1: 11 of 1,613,860 alleles (0.00068%); highest among the groups gnomAD compares: Non-Finnish European, 0.00093%; no homozygotes.

Submission:

Labcorp Genetics (formerly Invitae), Labcorp
Classification: Uncertain significance. Last evaluated: 2021-10-27. Review status: criteria provided, single submitter. Criteria: Invitae Variant Classification Sherloc (09022015). Collection method: clinical testing. Allele origin: germline.
Comment: This sequence change replaces arginine, which is basic and polar, with histidine, which is basic and polar, at codon 1936 of the MYH14 protein (p.Arg1936His). This variant is present in population databases (rs771678694, gnomAD 0.003%). In summary, the available evidence is currently insufficient to determine the role of this variant in disease. Therefore, it has been classified as a Variant of Uncertain Significance. Algorithms developed to predict the effect of missense changes on protein structure and function (SIFT, PolyPhen-2, Align-GVGD) all suggest that this variant is likely to be disruptive. This variant has not been reported in the literature in individuals affected with MYH14-related conditions.